The following is an entry in ClinVar:

ClinVar aggregate classification (germline): Likely benign. Review status: criteria provided, multiple submitters, no conflicts (2 of 4 stars). 4 submissions from 4 submitters: Likely benign (4). Last evaluated 2026-04-01.

Conditions:
Cardiovascular phenotype. Identifiers: MedGen CN230736.
Progressive familial heart block type IB (PFHB1B). Identifiers: Orphanet 871, MedGen C1970298, MONDO:0011474, OMIM 604559.

Allele frequency attached by ClinVar (database versions not stated): ExAC 0.00003; gnomAD 0.00004; TOPMed 0.00004; 1000 Genomes Project 30x 0.00016; 1000 Genomes Project 0.00020.
gnomAD v4.1: 11 of 1,608,146 alleles (0.00068%); highest among the groups gnomAD compares: African/African-American, 0.012%; no homozygotes.

Submissions (4):

CeGaT Center for Human Genetics Tuebingen
Classification: Likely benign. Last evaluated: 2026-04-01. Review status: criteria provided, single submitter. Criteria: CeGaT Center For Human Genetics Tuebingen Variant Classification Criteria Version 2. Collection method: clinical testing. Allele origin: germline. Affected: yes. Observed: 1 variant allele.
Comment: TRPM4: BP4, BP7

Labcorp Genetics (formerly Invitae), Labcorp
Classification: Likely benign for Progressive familial heart block type IB. Last evaluated: 2025-09-27. Review status: criteria provided, single submitter. Criteria: Invitae Variant Classification Sherloc (09022015). Collection method: clinical testing. Allele origin: germline.

Ambry Genetics
Classification: Likely benign for Cardiovascular phenotype. Last evaluated: 2021-09-28. Review status: criteria provided, single submitter. Criteria: Ambry Variant Classification Scheme 2023. Collection method: clinical testing. Allele origin: germline.

GeneDx
Classification: Likely benign. Last evaluated: 2017-05-10. Review status: criteria provided, single submitter. Criteria: GeneDx Variant Classification (06012015). Collection method: clinical testing. Allele origin: germline. Affected: yes.
Comment: This variant is considered likely benign or benign based on one or more of the following criteria: it is a conservative change, it occurs at a poorly conserved position in the protein, it is predicted to be benign by multiple in silico algorithms, and/or has population frequency not consistent with disease.

NM_017636.4(TRPM4):c.240C>T (p.Phe80=)

Gene: TRPM4 (transient receptor potential cation channel subfamily M member 4; plus strand). Cytogenetic location: 19q13.33.
Variant type: single nucleotide variant.
Coding change: c.240C>T on transcript NM_017636.4 (MANE Select); coding-DNA position 240, C replaced by T.
Protein change: p.Phe80=; no amino-acid change (phenylalanine 80 retained).
Molecular consequence: synonymous variant. On other transcripts: 5 prime UTR variant (1), intron variant (2).
Genome position (GRCh38, 1-based): chr19:49,166,188, C>T. VCF-style: chr19-49166188-C-T. GRCh37 (hg19) VCF-style: chr19-49669445-C-T.
Other names: c.240C>T, p.Phe80= (NM_001195227.2, NM_001321281.2); c.-1133C>T (NM_001321282.2); c.-74-2072C>T (NM_001321283.2); c.-237-2365C>T (NM_001321285.2).
Identifiers: ClinVar variation 509497 (VCV000509497.13), dbSNP rs563344549, ClinGen allele CA9568728.